The following is an entry in ClinVar:

NM_023110.3(FGFR1):c.877A>G (p.Ile293Val)

Gene: FGFR1 (fibroblast growth factor receptor 1; minus strand). Cytogenetic location: 8p11.23.
Variant type: single nucleotide variant.
Coding change: c.877A>G on transcript NM_023110.3 (MANE Select); coding-DNA position 877, A replaced by G.
Protein change: p.Ile293Val; replaces isoleucine 293 with valine.
Molecular consequence: missense variant.
Genome position (GRCh38, 1-based): chr8:38,424,568, T>C on the plus strand (A>G on the coding strand, the complement: FGFR1 is on the minus strand). VCF-style: chr8-38424568-T-C. GRCh37 (hg19) VCF-style: chr8-38282086-T-C.
Other names: c.877A>G, p.Ile293Val (NM_000604.2, NM_001174063.2); c.853A>G, p.Ile285Val (NM_001174064.2); c.871A>G, p.Ile291Val (NM_001174065.2, NM_001354367.2, NM_001354369.2 and 2 more transcripts); c.610A>G, p.Ile204Val (NM_001174066.2, NM_023105.3); c.970A>G, p.Ile324Val (NM_001174067.2); c.604A>G, p.Ile202Val (NM_001354368.2, NM_001354370.2, NM_023106.3); short protein forms I291V, I202V, I204V, I324V, I285V, I293V.
Identifiers: ClinVar variation 2922534 (VCV002922534.3), dbSNP rs767977802, ClinGen allele CA4718631.
Genomic context (GRCh38, chr8:38,424,568, plus strand): 5'-CCTTCAAGATCTGGACATAAGGCAGGTTGTCTGGGCCAATCTTGCTCCCATTCACCTCGA[T>C]GTGCTTTAGCCACTGGATGTGCGGCTGCGGGTCACTGTACACCTTACACATGAACTCCAC-3'
Protein context (NP_075598.2, residues 283-303): PQPHIQWLKH[Ile293Val]EVNGSKIGPD

ClinVar aggregate classification (germline): Uncertain significance (1 of 4 stars; one submission).

Conditions:
Hypogonadotropic hypogonadism 2 with or without anosmia (HH2). Also called: HYPOGONADOTROPIC HYPOGONADISM 2 WITH OR WITHOUT ANOSMIA, SUSCEPTIBILITY TO; HYPOGONADOTROPIC HYPOGONADISM 2 WITHOUT ANOSMIA, SUSCEPTIBILITY TO; FGFR1-Related GnRH Deficiency (Kallmann Syndrome 2); HYPOGONADOTROPIC HYPOGONADISM 2 WITHOUT ANOSMIA. Identifiers: Orphanet 478, MedGen C1563720, MONDO:0007844, OMIM 147950. Disease mechanism: loss of function.
Pfeiffer syndrome (ACS5). Also called: ACS V. Identifiers: Orphanet 710, MedGen C0220658, MONDO:0007043, OMIM 101600.

Allele frequency attached by ClinVar (database versions not stated): ExAC 0.00001.
gnomAD v4.1: 9 of 1,614,258 alleles (0.00056%); highest among the groups gnomAD compares: Non-Finnish European, 0.00068%; no homozygotes.

Submission:

Labcorp Genetics (formerly Invitae), Labcorp
Classification: Uncertain significance for Pfeiffer syndrome; Hypogonadotropic hypogonadism 2 with or without anosmia. Last evaluated: 2023-09-30. Review status: criteria provided, single submitter. Criteria: Invitae Variant Classification Sherloc (09022015). Collection method: clinical testing. Allele origin: germline.
Comment: This sequence change replaces isoleucine, which is neutral and non-polar, with valine, which is neutral and non-polar, at codon 293 of the FGFR1 protein (p.Ile293Val). This variant is present in population databases (rs767977802, gnomAD 0.0009%). This variant has not been reported in the literature in individuals affected with FGFR1-related conditions. Advanced modeling of protein sequence and biophysical properties (such as structural, functional, and spatial information, amino acid conservation, physicochemical variation, residue mobility, and thermodynamic stability) has been performed at Invitae for this missense variant, however the output from this modeling did not meet the statistical confidence thresholds required to predict the impact of this variant on FGFR1 protein function. In summary, the available evidence is currently insufficient to determine the role of this variant in disease. Therefore, it has been classified as a Variant of Uncertain Significance.